The following is an entry in ClinVar:

NM_032608.7(MYO18B):c.4696G>A (p.Gly1566Arg)

Genes: MYO18B (myosin XVIIIB; plus strand), MYO18B-AS1 (MYO18B antisense RNA 1; minus strand). Cytogenetic location: 22q12.1.
Variant type: single nucleotide variant.
Coding change: c.4696G>A on transcript NM_032608.7 (MANE Select); coding-DNA position 4696, G replaced by A.
Protein change: p.Gly1566Arg; replaces glycine 1566 with arginine.
Molecular consequence: missense variant.
Genome position (GRCh38, 1-based): chr22:25,898,334, G>A. VCF-style: chr22-25898334-G-A. GRCh37 (hg19) VCF-style: chr22-26294301-G-A.
Other names: c.4699G>A, p.Gly1567Arg (NM_001318245.2); c.4696G>A (NM_032608.5); short protein forms G1567R, G1566R.
Identifiers: ClinVar variation 1472713 (VCV001472713.5), dbSNP rs374758835, ClinGen allele CA10160966.

ClinVar aggregate classification (germline): Uncertain significance. Review status: criteria provided, multiple submitters, no conflicts (2 of 4 stars). 2 submissions from 2 submitters: Uncertain significance (2). Last evaluated 2025-01-15.

Conditions:
Inborn genetic diseases. Identifiers: MedGen C0950123, MeSH D030342.

Allele frequency attached by ClinVar (database versions not stated): TOPMed 0.00001; gnomAD 0.00002; gnomAD exomes 0.00005 and 0.00014; ESP Exome Variant Server 0.00008; ExAC 0.00012; 1000 Genomes Project 30x 0.00016; 1000 Genomes Project 0.00020.
gnomAD v4.1: 86 of 1,613,810 alleles (0.0053%); highest among the groups gnomAD compares: South Asian, 0.076%; no homozygotes.

Submissions (2):

Labcorp Genetics (formerly Invitae), Labcorp
Classification: Uncertain significance. Last evaluated: 2025-01-15. Review status: criteria provided, single submitter. Criteria: Invitae Variant Classification Sherloc (09022015). Collection method: clinical testing. Allele origin: germline.
Comment: This sequence change replaces glycine, which is neutral and non-polar, with arginine, which is basic and polar, at codon 1566 of the MYO18B protein (p.Gly1566Arg). This variant is present in population databases (rs374758835, gnomAD 0.1%). This variant has not been reported in the literature in individuals affected with MYO18B-related conditions. ClinVar contains an entry for this variant (Variation ID: 1472713). An algorithm developed to predict the effect of missense changes on protein structure and function (PolyPhen-2) suggests that this variant is likely to be disruptive. In summary, the available evidence is currently insufficient to determine the role of this variant in disease. Therefore, it has been classified as a Variant of Uncertain Significance.

Ambry Genetics
Classification: Uncertain significance for Inborn genetic diseases. Last evaluated: 2021-06-18. Review status: criteria provided, single submitter. Criteria: Ambry Variant Classification Scheme 2023. Collection method: clinical testing. Allele origin: germline.